The following is an entry in ClinVar:

ClinVar aggregate classification (germline): Pathogenic. Review status: criteria provided, multiple submitters, no conflicts (2 of 4 stars). 3 submissions from 3 submitters: Pathogenic (3). Last evaluated 2022-06-07.

Conditions:
Hereditary breast ovarian cancer syndrome. Also called: Hereditary breast and ovarian cancer; Hereditary breast and ovarian cancer syndrome (HBOC); Breast and ovarian cancer; Hereditary breast and ovarian cancer syndrome; BRCA1- and BRCA2-Associated Hereditary Breast and Ovarian Cancer; Hereditary breast and/or ovarian cancer syndrome. Identifiers: Orphanet 145, MedGen C0677776, MeSH D061325, MONDO:0003582. Disease mechanism: loss of function.
Hereditary cancer-predisposing syndrome. Also called: Tumor predisposition; Neoplastic Syndromes, Hereditary; Hereditary neoplastic syndrome; Hereditary Cancer Syndrome. Identifiers: Orphanet 140162, MedGen C0027672, MeSH D009386, MONDO:0015356.

Submissions (3):

Color Diagnostics, LLC DBA Color Health
Classification: Pathogenic for Hereditary cancer-predisposing syndrome. Last evaluated: 2022-06-07. Review status: criteria provided, single submitter. Criteria: ACMG Guidelines, 2015. Collection method: clinical testing. Allele origin: germline.
Comment: This variant deletes 4 nucleotides in exon 10 of the BRCA2 gene, creating a frameshift and premature translation stop signal. This variant is also known as 1191del4 or 1190del4 in Breast Cancer Information Core (BIC) nomenclature. This variant is expected to result in an absent or non-functional protein product. To our knowledge, this variant has not been reported in individuals affected with hereditary cancer in the literature. This variant has not been identified in the general population by the Genome Aggregation Database (gnomAD). Loss of BRCA2 function is a known mechanism of disease. Based on the available evidence, this variant is classified as Pathogenic.

Ambry Genetics
Classification: Pathogenic for Hereditary cancer-predisposing syndrome. Last evaluated: 2019-11-14. Review status: criteria provided, single submitter. Criteria: Ambry Variant Classification Scheme 2023. Collection method: clinical testing. Allele origin: germline.
Comment: The c.963_966delAAAA pathogenic mutation, located in coding exon 9 of the BRCA2 gene, results from a deletion of 4 nucleotides at nucleotide positions 963 to 966, causing a translational frameshift with a predicted alternate stop codon (p.K322*). This alteration is expected to result in loss of function by premature protein truncation or nonsense-mediated mRNA decay. As such, this alteration is interpreted as a disease-causing mutation.

Labcorp Genetics (formerly Invitae), Labcorp
Classification: Pathogenic for Hereditary breast ovarian cancer syndrome. Last evaluated: 2019-09-23. Review status: criteria provided, single submitter. Criteria: Invitae Variant Classification Sherloc (09022015). Collection method: clinical testing. Allele origin: germline.
Comment: Algorithms developed to predict the effect of sequence changes on RNA splicing suggest that this variant may create or strengthen a splice site, but this prediction has not been confirmed by published transcriptional studies. This variant has not been reported in the literature in individuals with BRCA2-related conditions. ClinVar contains an entry for this variant (Variation ID: 630889). This variant is not present in population databases (ExAC no frequency). This sequence change creates a premature translational stop signal (p.Lys322*) in the BRCA2 gene. It is expected to result in an absent or disrupted protein product. Loss-of-function variants in BRCA2 are known to be pathogenic (PMID: 20104584). For these reasons, this variant has been classified as Pathogenic.

Literature cited by the submitters: PubMed 20104584 (cited by Labcorp Genetics (formerly Invitae), Labcorp).

NM_000059.4(BRCA2):c.963_966del (p.Gln321_Lys322insTer)

Gene: BRCA2 (BRCA2 DNA repair associated; plus strand). Cytogenetic location: 13q13.1.
Variant type: Deletion.
Coding change: c.963_966del on transcript NM_000059.4 (MANE Select); coding-DNA positions 963 to 966, 4 bases deleted (AAAA; older notation c.963_966delAAAA).
Protein change: p.Gln321_Lys322insTer.
Molecular consequence: frameshift variant.
Genome position (GRCh38, 1-based): chr13:32,332,441-32,332,444, AAAA deleted; deleting any 4 consecutive bases within chr13:32,332,440-32,332,444 gives the same sequence; the c. name uses the placement nearest the transcript's 3' end. VCF-style (leftmost placement, unchanged base first): chr13-32332439-CAAAA-C. GRCh37 (hg19) VCF-style: chr13-32906576-CAAAA-C.
Other names: c.963_966delAAAA (NM_000059.3).
Identifiers: ClinVar variation 630889 (VCV000630889.16), dbSNP rs1566222463, ClinGen allele CA913188587.